The following is an entry in ClinVar:

ClinVar aggregate classification (germline): Uncertain significance. Review status: criteria provided, multiple submitters, no conflicts (2 of 4 stars). 3 submissions from 3 submitters: Uncertain significance (3). Last evaluated 2023-08-21.

Conditions:
MAGEL2-related disorder. Also called: MAGEL2-related condition.
Inborn genetic diseases. Identifiers: MedGen C0950123, MeSH D030342.

gnomAD v4.1: 6 of 1,409,694 alleles (0.00043%); highest among the groups gnomAD compares: Non-Finnish European, 0.00055%; no homozygotes.

Submissions (3):

PreventionGenetics, part of Exact Sciences
Classification: Uncertain significance for MAGEL2-related condition. Last evaluated: 2023-08-21. Review status: criteria provided, single submitter. Criteria: ACMG Guidelines, 2015. Collection method: clinical testing. Allele origin: germline.
Comment: The MAGEL2 c.1313G>A variant is predicted to result in the amino acid substitution p.Arg438His. To our knowledge, this variant has not been reported in the literature or in a large population database, indicating this variant is rare. At this time, the clinical significance of this variant is uncertain due to the absence of conclusive functional and genetic evidence.

Ambry Genetics
Classification: Uncertain significance for Inborn genetic diseases. Last evaluated: 2023-06-23. Review status: criteria provided, single submitter. Criteria: Ambry Variant Classification Scheme 2023. Collection method: clinical testing. Allele origin: germline.

Labcorp Genetics (formerly Invitae), Labcorp
Classification: Uncertain significance. Last evaluated: 2022-11-01. Review status: criteria provided, single submitter. Criteria: Invitae Variant Classification Sherloc (09022015). Collection method: clinical testing. Allele origin: germline.
Comment: In summary, the available evidence is currently insufficient to determine the role of this variant in disease. Therefore, it has been classified as a Variant of Uncertain Significance. Experimental studies and prediction algorithms are not available or were not evaluated, and the functional significance of this variant is currently unknown. This variant has not been reported in the literature in individuals affected with MAGEL2-related conditions. This variant is not present in population databases (gnomAD no frequency). This sequence change replaces arginine, which is basic and polar, with histidine, which is basic and polar, at codon 438 of the MAGEL2 protein (p.Arg438His).

NM_019066.5(MAGEL2):c.1313G>A (p.Arg438His)

Gene: MAGEL2 (MAGE family member L2; minus strand). Cytogenetic location: 15q11.2.
Variant type: single nucleotide variant.
Coding change: c.1313G>A on transcript NM_019066.5 (MANE Select); coding-DNA position 1313, G replaced by A.
Protein change: p.Arg438His; replaces arginine 438 with histidine.
Molecular consequence: missense variant.
Genome position (GRCh38, 1-based): chr15:23,646,430, C>T on the plus strand (G>A on the coding strand, the complement: MAGEL2 is on the minus strand). VCF-style: chr15-23646430-C-T. GRCh37 (hg19) VCF-style: chr15-23891577-C-T.
Other names: short protein forms R438H.
Identifiers: ClinVar variation 2606003 (VCV002606003.6), dbSNP rs1459919141, ClinGen allele CA391334527.